The following is an entry in ClinVar:

NM_002875.5(RAD51):c.281A>G (p.Gln94Arg)

Gene: RAD51 (RAD51 recombinase; plus strand). Cytogenetic location: 15q15.1.
Variant type: single nucleotide variant.
Coding change: c.281A>G on transcript NM_002875.5 (MANE Select); coding-DNA position 281, A replaced by G.
Protein change: p.Gln94Arg; replaces glutamine 94 with arginine.
Molecular consequence: missense variant. On other transcripts: intron variant (2).
Genome position (GRCh38, 1-based): chr15:40,706,232, A>G. VCF-style: chr15-40706232-A-G. GRCh37 (hg19) VCF-style: chr15-40998430-A-G.
Other names: c.281A>G, p.Gln94Arg (NM_001164270.2); c.347-2793A>G (NM_133487.4, NM_001164269.2); short protein forms Q94R.
Identifiers: ClinVar variation 1796415 (VCV001796415.2), dbSNP rs2504436587, ClinGen allele CA391749697.

ClinVar aggregate classification (germline): Uncertain significance (1 of 4 stars; one submission).

Conditions:
Inborn genetic diseases. Identifiers: MedGen C0950123, MeSH D030342.

Submission:

Ambry Genetics
Classification: Uncertain significance for Inborn genetic diseases. Last evaluated: 2022-05-11. Review status: criteria provided, single submitter. Criteria: Ambry Variant Classification Scheme 2023. Collection method: clinical testing. Allele origin: germline.
Comment: The p.Q94R variant (also known as c.281A>G), located in coding exon 3 of the RAD51 gene, results from an A to G substitution at nucleotide position 281. The glutamine at codon 94 is replaced by arginine, an amino acid with highly similar properties. This amino acid position is conserved. In addition, the in silico prediction for this alteration is inconclusive. Since supporting evidence is limited at this time, the clinical significance of this alteration remains unclear.